The following is an entry in ClinVar:

ClinVar aggregate classification (germline): Uncertain significance. Review status: criteria provided, multiple submitters, no conflicts (2 of 4 stars). 2 submissions from 2 submitters: Uncertain significance (2). Last evaluated 2023-10-06.

Conditions:
Ehlers-Danlos syndrome, type 4 (EDSVASC). Also called: Ehlers-Danlos syndrome vascular type; Ehlers Danlos syndrome, ecchymotic type; Ehlers Danlos syndrome, arterial type; Ehlers Danlos syndrome, Sack-Barabas type; Ehlers-Danlos Syndrome Type IV. Identifiers: Orphanet 286, MedGen C0268338, MONDO:0017314, OMIM 130050.

Allele frequency attached by ClinVar (database versions not stated): gnomAD exomes below 0.00001.
gnomAD v4.1: 1 of 1,613,434 alleles (0.000062%); highest among the groups gnomAD compares: Non-Finnish European, 0.000085%; no homozygotes.

Submissions (2):

All of Us Research Program, National Institutes of Health
Classification: Uncertain significance for Ehlers-Danlos syndrome, type 4. Last evaluated: 2023-10-06. Review status: criteria provided, single submitter. Criteria: ACMG Guidelines, 2015. Collection method: clinical testing. Allele origin: germline. Inheritance: Autosomal dominant inheritance. Observed: 1 variant allele, 1 heterozygote.
Comment: This missense variant replaces proline with threonine at codon 551 of the COL3A1 protein. Computational prediction suggests that this variant may not impact protein structure and function (internally defined REVEL score threshold <= 0.5, PMID: 27666373). To our knowledge, functional studies have not been reported for this variant. This variant has not been reported in individuals affected with COL3A1-related disorders in the literature. This variant has not been identified in the general population by the Genome Aggregation Database (gnomAD). The available evidence is insufficient to determine the role of this variant in disease conclusively. Therefore, this variant is classified as a Variant of Uncertain Significance.

This study involves interpretation of variants in research participants for the purpose of population health screening. Participant phenotype was not available at the time of variant classification. Additional details can be found in publication PMID: 35346344, PMCID: PMC8962531

Mayo Clinic Laboratories, Mayo Clinic
Classification: Uncertain significance. Last evaluated: 2023-04-19. Review status: criteria provided, single submitter. Criteria: ACMG Guidelines, 2015. Collection method: clinical testing. Allele origin: germline. Observed: 1 variant allele.
Comment: PP2, PM2_supporting

NM_000090.4(COL3A1):c.1651C>A (p.Pro551Thr)

Gene: COL3A1 (collagen type III alpha 1 chain; plus strand). Cytogenetic location: 2q32.2.
Variant type: single nucleotide variant.
Coding change: c.1651C>A on transcript NM_000090.4 (MANE Select); coding-DNA position 1651, C replaced by A.
Protein change: p.Pro551Thr; replaces proline 551 with threonine.
Molecular consequence: missense variant.
Genome position (GRCh38, 1-based): chr2:188,996,167, C>A. VCF-style: chr2-188996167-C-A. GRCh37 (hg19) VCF-style: chr2-189860893-C-A.
Other names: p.Pro551Thr; short protein forms P551T.
Identifiers: ClinVar variation 2682802 (VCV002682802.2), dbSNP rs1688304991, ClinGen allele CA349852502.
Genomic context (GRCh38, chr2:188,996,167, plus strand): 5'-CTGACTTCTTTACTTCAGGGCATGCCCGGAAGTCCAGGAGGACCAGGAAGTGATGGGAAA[C>A]CAGGGCCTCCCGTATGTACATTTTTAAAATCTCATTTTAAAAGGCCAGTTAAAATGGAAT-3'
Protein context (NP_000081.2, residues 541-561): SPGGPGSDGK[Pro551Thr]GPPGSQGESG